The following is an entry in ClinVar:

NM_020944.3(GBA2):c.1582+6G>C

Gene: GBA2 (glucosylceramidase beta 2; minus strand). Cytogenetic location: 9p13.3.
Variant type: single nucleotide variant.
Coding change: c.1582+6G>C on transcript NM_020944.3 (MANE Select); 6 bases into the intron after coding-DNA position 1582, G replaced by C.
Molecular consequence: intron variant.
Genome position (GRCh38, 1-based): chr9:35,739,622, C>G on the plus strand (G>C on the coding strand, the complement: GBA2 is on the minus strand). VCF-style: chr9-35739622-C-G. GRCh37 (hg19) VCF-style: chr9-35739619-C-G.
Other names: c.1582+6G>C (NM_001330660.2).
Identifiers: ClinVar variation 512973 (VCV000512973.1), dbSNP rs368589409, ClinGen allele CA5050363.
Genomic context (GRCh38, chr9:35,739,622, plus strand): 5'-GTAGGCAAATCCATCATCCTGACTTGGGGATGGCCTGCCATATCCCAGCCCACCAGCATC[C>G]TGTACCCTCAAGGTAGCCAAATCGACCGTAGTCCCGTAGGGTGGGGCGGAGGTGACACAT-3'

ClinVar aggregate classification (germline): Likely benign (1 of 4 stars; one submission).

Allele frequency attached by ClinVar (database versions not stated): gnomAD exomes 0.00001; ExAC 0.00003; gnomAD 0.00006 and 0.00007; TOPMed 0.00007; ESP Exome Variant Server 0.00008.

Submission:

GeneDx
Classification: Likely benign. Last evaluated: 2017-11-02. Review status: criteria provided, single submitter. Criteria: GeneDx Variant Classification (06012015). Collection method: clinical testing. Allele origin: germline. Affected: yes.
Comment: This variant is considered likely benign or benign based on one or more of the following criteria: it is a conservative change, it occurs at a poorly conserved position in the protein, it is predicted to be benign by multiple in silico algorithms, and/or has population frequency not consistent with disease.